The following is an entry in ClinVar:

NM_000875.5(IGF1R):c.1382G>A (p.Arg461His)

Gene: IGF1R (insulin like growth factor 1 receptor; plus strand). Cytogenetic location: 15q26.3.
Variant type: single nucleotide variant.
Coding change: c.1382G>A on transcript NM_000875.5 (MANE Select); coding-DNA position 1382, G replaced by A.
Protein change: p.Arg461His; replaces arginine 461 with histidine.
Molecular consequence: missense variant.
Genome position (GRCh38, 1-based): chr15:98,908,819, G>A. VCF-style: chr15-98908819-G-A. GRCh37 (hg19) VCF-style: chr15-99452048-G-A.
Other names: c.1382G>A, p.Arg461His (NM_001291858.2); short protein forms R461H.
Identifiers: ClinVar variation 2413971 (VCV002413971.6), dbSNP rs187980012, ClinGen allele CA7752079.

ClinVar aggregate classification (germline): Uncertain significance (1 of 4 stars; one submission).

Allele frequency attached by ClinVar (database versions not stated): TOPMed 0.00001; gnomAD 0.00002; 1000 Genomes Project 30x 0.00016; 1000 Genomes Project 0.00020.
gnomAD v4.1: 42 of 1,614,130 alleles (0.0026%); highest among the groups gnomAD compares: Non-Finnish European, 0.0025%; 1 homozygote.

Submission:

Labcorp Genetics (formerly Invitae), Labcorp
Classification: Uncertain significance. Last evaluated: 2024-08-20. Review status: criteria provided, single submitter. Criteria: Invitae Variant Classification Sherloc (09022015). Collection method: clinical testing. Allele origin: germline.
Comment: This sequence change replaces arginine, which is basic and polar, with histidine, which is basic and polar, at codon 461 of the IGF1R protein (p.Arg461His). This variant is present in population databases (rs187980012, gnomAD 0.01%). This missense change has been observed in individual(s) with clinical features of insulin-like growth factor I resistance (PMID: 32356191). ClinVar contains an entry for this variant (Variation ID: 2413971). Invitae Evidence Modeling of protein sequence and biophysical properties (such as structural, functional, and spatial information, amino acid conservation, physicochemical variation, residue mobility, and thermodynamic stability) indicates that this missense variant is not expected to disrupt IGF1R protein function with a negative predictive value of 80%. In summary, the available evidence is currently insufficient to determine the role of this variant in disease. Therefore, it has been classified as a Variant of Uncertain Significance.

Literature cited by the submitters: PubMed 32356191.